The following is an entry in ClinVar:

ClinVar aggregate classification (germline): Uncertain significance. Review status: criteria provided, multiple submitters, no conflicts (2 of 4 stars). 2 submissions from 2 submitters: Uncertain significance (2). Last evaluated 2025-01-19.

Conditions:
Hereditary cancer-predisposing syndrome. Also called: Neoplastic Syndromes, Hereditary; Tumor predisposition; Hereditary neoplastic syndrome; Hereditary Cancer Syndrome. Identifiers: Orphanet 140162, MedGen C0027672, MeSH D009386, MONDO:0015356.
Birt-Hogg-Dube syndrome. Also called: Birt Hogg Dubé syndrome. Identifiers: Orphanet 122, MedGen C0346010, MONDO:0800444.

Allele frequency attached by ClinVar (database versions not stated): gnomAD exomes below 0.00001.
gnomAD v4.1: 1 of 1,614,088 alleles (0.000062%); no homozygotes.

Submissions (2):

Labcorp Genetics (formerly Invitae), Labcorp
Classification: Uncertain significance for Birt-Hogg-Dube syndrome. Last evaluated: 2025-01-19. Review status: criteria provided, single submitter. Criteria: Invitae Variant Classification Sherloc (09022015). Collection method: clinical testing. Allele origin: germline.
Comment: This sequence change replaces threonine, which is neutral and polar, with alanine, which is neutral and non-polar, at codon 256 of the FLCN protein (p.Thr256Ala). This variant is not present in population databases (gnomAD no frequency). This variant has not been reported in the literature in individuals affected with FLCN-related conditions. ClinVar contains an entry for this variant (Variation ID: 1760055). Invitae Evidence Modeling of protein sequence and biophysical properties (such as structural, functional, and spatial information, amino acid conservation, physicochemical variation, residue mobility, and thermodynamic stability) indicates that this missense variant is not expected to disrupt FLCN protein function with a negative predictive value of 80%. In summary, the available evidence is currently insufficient to determine the role of this variant in disease. Therefore, it has been classified as a Variant of Uncertain Significance.

Ambry Genetics
Classification: Uncertain significance for Hereditary cancer-predisposing syndrome. Last evaluated: 2020-08-21. Review status: criteria provided, single submitter. Criteria: Ambry Variant Classification Scheme 2023. Collection method: clinical testing. Allele origin: germline.
Comment: The p.T256A variant (also known as c.766A>G), located in coding exon 4 of the FLCN gene, results from an A to G substitution at nucleotide position 766. The threonine at codon 256 is replaced by alanine, an amino acid with similar properties. This amino acid position is well conserved in available vertebrate species. In addition, the in silico prediction for this alteration is inconclusive. Since supporting evidence is limited at this time, the clinical significance of this alteration remains unclear.

NM_144997.7(FLCN):c.766A>G (p.Thr256Ala)

Gene: FLCN (folliculin; minus strand). Cytogenetic location: 17p11.2.
Variant type: single nucleotide variant.
Coding change: c.766A>G on transcript NM_144997.7 (MANE Select); coding-DNA position 766, A replaced by G.
Protein change: p.Thr256Ala; replaces threonine 256 with alanine.
Molecular consequence: missense variant.
Genome position (GRCh38, 1-based): chr17:17,222,514, T>C on the plus strand (A>G on the coding strand, the complement: FLCN is on the minus strand). VCF-style: chr17-17222514-T-C. GRCh37 (hg19) VCF-style: chr17-17125828-T-C.
Other names: c.820A>G, p.Thr274Ala (NM_001353229.2); c.766A>G, p.Thr256Ala (NM_001353230.2, NM_001353231.2, NM_144606.7); short protein forms T274A, T256A.
Identifiers: ClinVar variation 1760055 (VCV001760055.4), dbSNP rs876658799, ClinGen allele CA398533843.